The following is an entry in ClinVar:

NM_001145809.2(MYH14):c.5850G>A (p.Glu1950=)

Gene: MYH14 (myosin heavy chain 14; plus strand). Cytogenetic location: 19q13.33.
Variant type: single nucleotide variant.
Coding change: c.5850G>A on transcript NM_001145809.2 (MANE Select); coding-DNA position 5850, G replaced by A.
Protein change: p.Glu1950=; no amino-acid change (glutamic acid 1950 retained).
Molecular consequence: synonymous variant.
Genome position (GRCh38, 1-based): chr19:50,309,067, G>A. VCF-style: chr19-50309067-G-A. GRCh37 (hg19) VCF-style: chr19-50812324-G-A.
Other names: c.5751G>A, p.Glu1917= (NM_001077186.2); c.5727G>A, p.Glu1909= (NM_024729.4).
Identifiers: ClinVar variation 893169 (VCV000893169.8), dbSNP rs368708096, ClinGen allele CA9593916.
Genomic context (GRCh38, chr19:50,309,067, plus strand): 5'-GGAGAAGGGAAACCTTCGAGTCAAGCAGCTGAAGCGGCAGCTGGAGGAGGCCGAGGAGGA[G>A]GCATCCCGGGCTCAGGCCGGCCGCCGGAGGCTGCAGCGTGAGCTGGAAGATGTCACAGAG-3'
Protein context (NP_001139281.1, residues 1940-1960): LKRQLEEAEE[Glu1950=]ASRAQAGRRR

ClinVar aggregate classification (germline): Benign/Likely benign. Review status: criteria provided, multiple submitters, no conflicts (2 of 4 stars). 3 submissions from 3 submitters: Benign (1); Likely benign (2). Last evaluated 2025-10-05.

Conditions:
Autosomal dominant nonsyndromic hearing loss 4A. Also called: Deafness, autosomal dominant 4A. Identifiers: Orphanet 90635, MedGen C1833503, MONDO:0010915, OMIM 600652.

Allele frequency attached by ClinVar (database versions not stated): gnomAD exomes 0.00002 and 0.00006; ExAC 0.00011; ESP Exome Variant Server 0.00016; 1000 Genomes Project 0.00020; gnomAD 0.00023 and 0.00025; TOPMed 0.00028.
gnomAD v4.1: 75 of 1,613,874 alleles (0.0046%); highest among the groups gnomAD compares: African/African-American, 0.089%; no homozygotes.

Submissions (3):

Labcorp Genetics (formerly Invitae), Labcorp
Classification: Benign. Last evaluated: 2025-10-05. Review status: criteria provided, single submitter. Criteria: Invitae Variant Classification Sherloc (09022015). Collection method: clinical testing. Allele origin: germline.

Blueprint Genetics
Classification: Likely benign. Last evaluated: 2024-09-23. Review status: criteria provided, single submitter. Criteria: ACMG Guidelines, 2015. Collection method: clinical testing. Allele origin: germline.

Illumina Laboratory Services, Illumina
Classification: Likely benign for Autosomal dominant nonsyndromic hearing loss 4A. Last evaluated: 2018-01-12. Review status: criteria provided, single submitter. Criteria: ICSL Variant Classification Criteria 13 December 2019. Collection method: clinical testing. Allele origin: germline.
Comment: This variant was observed in the ICSL laboratory as part of a predisposition screen in an ostensibly healthy population. It had not been previously curated by ICSL or reported in the Human Gene Mutation Database (HGMD: prior to June 1st, 2018), and was therefore a candidate for classification through an automated scoring system. Utilizing variant allele frequency, disease prevalence and penetrance estimates, and inheritance mode, an automated score was calculated to assess if this variant is too frequent to cause the disease. Based on the score and internal cut-off values, a variant classified as likely benign is not then subjected to further curation. The score for this variant resulted in a classification of likely benign for this disease.